The following is an entry in ClinVar:

NM_005228.5(EGFR):c.680C>T (p.Ser227Phe)

Gene: EGFR (epidermal growth factor receptor; plus strand). Cytogenetic location: 7p11.2.
Variant type: single nucleotide variant.
Coding change: c.680C>T on transcript NM_005228.5 (MANE Select); coding-DNA position 680, C replaced by T.
Protein change: p.Ser227Phe; replaces serine 227 with phenylalanine.
Molecular consequence: missense variant. On other transcripts: intron variant (1).
Genome position (GRCh38, 1-based): chr7:55,152,597, C>T. VCF-style: chr7-55152597-C-T. GRCh37 (hg19) VCF-style: chr7-55220290-C-T.
Other names: c.545C>T, p.Ser182Phe (NM_001346897.2, NM_001346899.2); c.680C>T, p.Ser227Phe (NM_001346898.2, NM_201282.2, NM_201283.2 and 1 more transcripts); c.521C>T, p.Ser174Phe (NM_001346900.2); c.89-3233C>T (NM_001346941.2); short protein forms S182F, S227F, S174F.
Identifiers: ClinVar variation 1041182 (VCV001041182.8), dbSNP rs1046438724, ClinGen allele CA158910917.

ClinVar aggregate classification (germline): Uncertain significance (1 of 4 stars; one submission).

Conditions:
EGFR-related lung cancer (EGFR). Identifiers: MedGen CN130014.

Allele frequency attached by ClinVar (database versions not stated): gnomAD exomes below 0.00001; TOPMed 0.00001.
gnomAD v4.1: 1 of 1,613,854 alleles (0.000062%); highest among the groups gnomAD compares: Admixed American, 0.0017%; no homozygotes.

Submission:

Labcorp Genetics (formerly Invitae), Labcorp
Classification: Uncertain significance for EGFR-related lung cancer. Last evaluated: 2024-04-17. Review status: criteria provided, single submitter. Criteria: Invitae Variant Classification Sherloc (09022015). Collection method: clinical testing. Allele origin: germline.
Comment: This sequence change replaces serine, which is neutral and polar, with phenylalanine, which is neutral and non-polar, at codon 227 of the EGFR protein (p.Ser227Phe). This variant is present in population databases (no rsID available, gnomAD 0.003%). This variant has not been reported in the literature in individuals affected with EGFR-related conditions. ClinVar contains an entry for this variant (Variation ID: 1041182). Advanced modeling of protein sequence and biophysical properties (such as structural, functional, and spatial information, amino acid conservation, physicochemical variation, residue mobility, and thermodynamic stability) performed at Invitae indicates that this missense variant is not expected to disrupt EGFR protein function with a negative predictive value of 80%. In summary, the available evidence is currently insufficient to determine the role of this variant in disease. Therefore, it has been classified as a Variant of Uncertain Significance.